The following is an entry in ClinVar:

ClinVar aggregate classification (germline): Uncertain significance (1 of 4 stars; one submission).

Allele frequency attached by ClinVar (database versions not stated): gnomAD exomes below 0.00001.
gnomAD v4.1: 5 of 1,612,094 alleles (0.00031%); highest among the groups gnomAD compares: Non-Finnish European, 0.00042%; no homozygotes.

Submission:

CeGaT Center for Human Genetics Tuebingen
Classification: Uncertain significance. Last evaluated: 2023-08-01. Review status: criteria provided, single submitter. Criteria: CeGaT Center For Human Genetics Tuebingen Variant Classification Criteria Version 2. Collection method: clinical testing. Allele origin: germline. Affected: yes. Observed: 1 variant allele.
Comment: RCOR1: PM2, PP3

NM_015156.4(RCOR1):c.742C>T (p.Arg248Cys)

Genes: RCOR1 (REST corepressor 1; plus strand), LOC126862063 (MED14-independent group 3 enhancer GRCh37_chr14:103174038-103175237; plus strand). Cytogenetic location: 14q32.32.
Variant type: single nucleotide variant.
Coding change: c.742C>T on transcript NM_015156.4 (MANE Select); coding-DNA position 742, C replaced by T.
Protein change: p.Arg248Cys; replaces arginine 248 with cysteine.
Molecular consequence: missense variant.
Genome position (GRCh38, 1-based): chr14:102,708,546, C>T. VCF-style: chr14-102708546-C-T. GRCh37 (hg19) VCF-style: chr14-103174883-C-T.
Other names: short protein forms R248C.
Identifiers: ClinVar variation 2644584 (VCV002644584.24), dbSNP rs1895900693, ClinGen allele CA391061933.
Genomic context (GRCh38, chr14:102,708,546, plus strand): 5'-AGTCTGGTGAAATTTTACTATTCTTGGAAGAAGACGAGGACTAAAACTAGTGTGATGGAT[C>T]GCCATGCCCGGAAACAAAAACGGGAGCGGGAGGAGAGGTGAGCACATGGCTGGGGTGTTG-3'
Protein context (NP_055971.2, residues 238-258): KTRTKTSVMD[Arg248Cys]HARKQKRERE